The following is an entry in ClinVar:

ClinVar aggregate classification (germline): Uncertain significance. Review status: criteria provided, multiple submitters, no conflicts (2 of 4 stars). 3 submissions from 3 submitters: Uncertain significance (3). Last evaluated 2025-01-06.

Conditions:
Polycystic kidney disease 4 (PKD4). Also called: Autosomal Recessive Polycystic Kidney Disease – PKHD1; POLYCYSTIC KIDNEY DISEASE 4 WITH OR WITHOUT POLYCYSTIC LIVER DISEASE; POLYCYSTIC KIDNEY AND HEPATIC DISEASE 1; POLYCYSTIC KIDNEY DISEASE, INFANTILE, TYPE I; PKD3. Identifiers: MedGen C4540575, MONDO:0033004, OMIM 263200.
Autosomal recessive polycystic kidney disease (ARPKD). Also called: AR polycystic kidney disease. Identifiers: Orphanet 731, Orphanet 8378, MedGen C0085548, MeSH D017044, MONDO:0009889.

Allele frequency attached by ClinVar (database versions not stated): gnomAD exomes below 0.00001.
gnomAD v4.1: 2 of 1,613,176 alleles (0.00012%); highest among the groups gnomAD compares: Admixed American, 0.0017%; no homozygotes.

Submissions (3):

Labcorp Genetics (formerly Invitae), Labcorp
Classification: Uncertain significance for Autosomal recessive polycystic kidney disease. Last evaluated: 2025-01-06. Review status: criteria provided, single submitter. Criteria: Invitae Variant Classification Sherloc (09022015). Collection method: clinical testing. Allele origin: germline.
Comment: This sequence change replaces cysteine, which is neutral and slightly polar, with serine, which is neutral and polar, at codon 2565 of the PKHD1 protein (p.Cys2565Ser). This variant is present in population databases (no rsID available, gnomAD 0.003%). This variant has not been reported in the literature in individuals affected with PKHD1-related conditions. ClinVar contains an entry for this variant (Variation ID: 594388). Invitae Evidence Modeling of protein sequence and biophysical properties (such as structural, functional, and spatial information, amino acid conservation, physicochemical variation, residue mobility, and thermodynamic stability) indicates that this missense variant is expected to disrupt PKHD1 protein function with a positive predictive value of 95%. In summary, the available evidence is currently insufficient to determine the role of this variant in disease. Therefore, it has been classified as a Variant of Uncertain Significance.

Fulgent Genetics
Classification: Uncertain significance for Polycystic kidney disease 4. Last evaluated: 2024-05-13. Review status: criteria provided, single submitter. Criteria: ACMG Guidelines, 2015. Collection method: clinical testing. Allele origin: germline.

Eurofins Ntd Llc (ga)
Classification: Uncertain significance. Last evaluated: 2017-10-04. Review status: criteria provided, single submitter. Criteria: EGL Classification Definitions 2015. Collection method: clinical testing. Allele origin: germline. Observed: 1 variant allele, 1 heterozygote.

NM_138694.4(PKHD1):c.7694G>C (p.Cys2565Ser)

Gene: PKHD1 (PKHD1 ciliary IPT domain containing fibrocystin/polyductin; minus strand). Cytogenetic location: 6p12.2.
Variant type: single nucleotide variant.
Coding change: c.7694G>C on transcript NM_138694.4 (MANE Select); coding-DNA position 7694, G replaced by C.
Protein change: p.Cys2565Ser; replaces cysteine 2565 with serine.
Molecular consequence: missense variant.
Genome position (GRCh38, 1-based): chr6:51,867,902, C>G on the plus strand (G>C on the coding strand, the complement: PKHD1 is on the minus strand). VCF-style: chr6-51867902-C-G. GRCh37 (hg19) VCF-style: chr6-51732700-C-G.
Other names: c.7694G>C, p.Cys2565Ser (NM_170724.3); short protein forms C2565S.
Identifiers: ClinVar variation 594388 (VCV000594388.7), dbSNP rs1336917781, ClinGen allele CA364418250.